The following is an entry in ClinVar:

ClinVar aggregate classification (germline): Likely benign. Review status: criteria provided, multiple submitters, no conflicts (2 of 4 stars). 2 submissions from 2 submitters: Likely benign (2). Last evaluated 2024-10-07.

Allele frequency attached by ClinVar (database versions not stated): gnomAD 0.00001; ExAC 0.00005; gnomAD exomes 0.00005; ESP Exome Variant Server 0.00008.
gnomAD v4.1: 80 of 1,602,422 alleles (0.005%); highest among the groups gnomAD compares: Middle Eastern, 0.083%; 2 homozygotes.

Submissions (2):

Labcorp Genetics (formerly Invitae), Labcorp
Classification: Likely benign. Last evaluated: 2024-10-07. Review status: criteria provided, single submitter. Criteria: Invitae Variant Classification Sherloc (09022015). Collection method: clinical testing. Allele origin: germline.

CeGaT Center for Human Genetics Tuebingen
Classification: Likely benign. Last evaluated: 2024-01-01. Review status: criteria provided, single submitter. Criteria: CeGaT Center For Human Genetics Tuebingen Variant Classification Criteria Version 2. Collection method: clinical testing. Allele origin: germline. Affected: yes. Observed: 2 variant alleles.
Comment: AASS: BP4, BP7

NM_005763.4(AASS):c.1497A>G (p.Leu499=)

Gene: AASS (aminoadipate-semialdehyde synthase; minus strand). Cytogenetic location: 7q31.32.
Variant type: single nucleotide variant.
Coding change: c.1497A>G on transcript NM_005763.4 (MANE Select); coding-DNA position 1497, A replaced by G.
Protein change: p.Leu499=; no amino-acid change (leucine 499 retained).
Molecular consequence: synonymous variant.
Genome position (GRCh38, 1-based): chr7:122,098,776, T>C on the plus strand (A>G on the coding strand, the complement: AASS is on the minus strand). VCF-style: chr7-122098776-T-C. GRCh37 (hg19) VCF-style: chr7-121738830-T-C.
Identifiers: ClinVar variation 771874 (VCV000771874.30), dbSNP rs369170463, ClinGen allele CA4458316.